The following is an entry in ClinVar:

NM_032608.7(MYO18B):c.2313-2A>C

Gene: MYO18B (myosin XVIIIB; plus strand). Cytogenetic location: 22q12.1.
Variant type: single nucleotide variant.
Coding change: c.2313-2A>C on transcript NM_032608.7 (MANE Select); the canonical splice acceptor site of the intron before coding-DNA position 2313, A replaced by C.
Molecular consequence: splice acceptor variant.
Genome position (GRCh38, 1-based): chr22:25,785,426, A>C. VCF-style: chr22-25785426-A-C. GRCh37 (hg19) VCF-style: chr22-26181393-A-C.
Other names: c.2313-2A>C (NM_001318245.2).
Identifiers: ClinVar variation 1404224 (VCV001404224.6), dbSNP rs1271311339, ClinGen allele CA410994494.
Genomic context (GRCh38, chr22:25,785,426, plus strand): 5'-CCTGCCCTGCCAGGGCTGGTGTGGACAGCCCCCCTGACTCCTGGTTCCTTCTGTGCTTCC[A>C]GGACGGAGCTGAACCTGCACCAGATGGCAGATAGCAGCTCCTTTGGCATGGGCGTGTGGT-3'

ClinVar aggregate classification (germline): Likely pathogenic (1 of 4 stars; one submission).

Allele frequency attached by ClinVar (database versions not stated): TOPMed below 0.00001; gnomAD exomes 0.00001.
gnomAD v4.1: 9 of 1,606,900 alleles (0.00056%); highest among the groups gnomAD compares: Non-Finnish European, 0.00068%; no homozygotes.

Submission:

Labcorp Genetics (formerly Invitae), Labcorp
Classification: Likely pathogenic. Last evaluated: 2022-09-19. Review status: criteria provided, single submitter. Criteria: Invitae Variant Classification Sherloc (09022015). Collection method: clinical testing. Allele origin: germline.
Comment: This sequence change affects an acceptor splice site in intron 10 of the MYO18B gene. It is expected to disrupt RNA splicing. Variants that disrupt the donor or acceptor splice site typically lead to a loss of protein function (PMID: 16199547), and loss-of-function variants in MYO18B are known to be pathogenic (PMID: 25748484, 32184166, 32637634). This variant is present in population databases (no rsID available, gnomAD 0.003%). In summary, the currently available evidence indicates that the variant is pathogenic, but additional data are needed to prove that conclusively. Therefore, this variant has been classified as Likely Pathogenic. Algorithms developed to predict the effect of sequence changes on RNA splicing suggest that this variant may disrupt the consensus splice site. ClinVar contains an entry for this variant (Variation ID: 1404224). This variant has not been reported in the literature in individuals affected with MYO18B-related conditions.

Literature cited by the submitters: PubMed 16199547; PubMed 25748484; PubMed 32184166; PubMed 32637634.